The following is an entry in ClinVar:

ClinVar aggregate classification (germline): Uncertain significance (1 of 4 stars; one submission).

Conditions:
Cardiovascular phenotype. Identifiers: MedGen CN230736.

Submission:

Ambry Genetics
Classification: Uncertain significance for Cardiovascular phenotype. Last evaluated: 2025-01-28. Review status: criteria provided, single submitter. Criteria: Ambry Variant Classification Scheme 2023. Collection method: clinical testing. Allele origin: germline.
Comment: The p.G580S variant (also known as c.1738G>A), located in coding exon 6 of the KCND3 gene, results from a G to A substitution at nucleotide position 1738. The glycine at codon 580 is replaced by serine, an amino acid with similar properties. This amino acid position is conserved. In addition, the in silico prediction for this alteration is inconclusive. Based on the available evidence, the clinical significance of this variant remains unclear.

NM_001378969.1(KCND3):c.1738G>A (p.Gly580Ser)

Gene: KCND3 (potassium voltage-gated channel subfamily D member 3; minus strand). Cytogenetic location: 1p13.2.
Variant type: single nucleotide variant.
Coding change: c.1738G>A on transcript NM_001378969.1 (MANE Select); coding-DNA position 1738, G replaced by A.
Protein change: p.Gly580Ser; replaces glycine 580 with serine.
Molecular consequence: missense variant.
Genome position (GRCh38, 1-based): chr1:111,777,054, C>T on the plus strand (G>A on the coding strand, the complement: KCND3 is on the minus strand). VCF-style: chr1-111777054-C-T. GRCh37 (hg19) VCF-style: chr1-112319676-C-T.
Other names: c.1681G>A, p.Gly561Ser (NM_001378970.1, NM_172198.3); c.1738G>A, p.Gly580Ser (NM_004980.5); short protein forms G561S, G580S.
Identifiers: ClinVar variation 3862702 (VCV003862702.1).